The following is an entry in ClinVar:

ClinVar aggregate classification (germline): Likely benign. Review status: criteria provided, multiple submitters, no conflicts (2 of 4 stars). 2 submissions from 2 submitters: Likely benign (2). Last evaluated 2025-09-03.

Conditions:
Early-infantile DEE. Also called: Ohtahara syndrome; Early infantile epileptic encephalopathy with suppression bursts; Early infantile epileptic encephalopathy. Identifiers: Orphanet 1934, MedGen C0393706, MONDO:0800491.

Allele frequency attached by ClinVar (database versions not stated): gnomAD exomes below 0.00001 and 0.00002; ExAC 0.00001; gnomAD 0.00001; TOPMed 0.00003.
gnomAD v4.1: 8 of 1,613,934 alleles (0.0005%); highest among the groups gnomAD compares: African/African-American, 0.0027%; no homozygotes.

Submissions (2):

Labcorp Genetics (formerly Invitae), Labcorp
Classification: Likely benign for Early-infantile DEE. Last evaluated: 2025-09-03. Review status: criteria provided, single submitter. Criteria: Invitae Variant Classification Sherloc (09022015). Collection method: clinical testing. Allele origin: germline.

Mayo Clinic Laboratories, Mayo Clinic
Classification: Likely benign. Last evaluated: 2025-03-04. Review status: criteria provided, single submitter. Criteria: ACMG Guidelines, 2015. Collection method: clinical testing. Allele origin: germline. Observed: 1 variant allele.
Comment: BP4, BP7

NM_001130438.3(SPTAN1):c.7377C>T (p.Arg2459=)

Gene: SPTAN1 (spectrin alpha, non-erythrocytic 1; plus strand). Cytogenetic location: 9q34.11.
Variant type: single nucleotide variant.
Coding change: c.7377C>T on transcript NM_001130438.3 (MANE Select); coding-DNA position 7377, C replaced by T.
Protein change: p.Arg2459=; no amino-acid change (arginine 2459 retained).
Molecular consequence: synonymous variant.
Genome position (GRCh38, 1-based): chr9:128,633,277, C>T. VCF-style: chr9-128633277-C-T. GRCh37 (hg19) VCF-style: chr9-131395556-C-T.
Other names: p.Arg2459=; c.7302C>T, p.Arg2434= (NM_001195532.2); c.7440C>T, p.Arg2480= (NM_001363759.2); c.7317C>T, p.Arg2439= (NM_001363765.2); c.7362C>T, p.Arg2454= (NM_003127.4).
Identifiers: ClinVar variation 416901 (VCV000416901.12), dbSNP rs756798259, ClinGen allele CA5266095.